The following is an entry in ClinVar:

NM_001018005.2(TPM1):c.310G>C (p.Glu104Gln)

Gene: TPM1 (tropomyosin 1; plus strand). Cytogenetic location: 15q22.2.
Variant type: single nucleotide variant.
Coding change: c.310G>C on transcript NM_001018005.2 (MANE Select); coding-DNA position 310, G replaced by C.
Protein change: p.Glu104Gln; replaces glutamic acid 104 with glutamine.
Molecular consequence: missense variant.
Genome position (GRCh38, 1-based): chr15:63,057,054, G>C. VCF-style: chr15-63057054-G-C. GRCh37 (hg19) VCF-style: chr15-63349253-G-C.
Other names: c.310G>C, p.Glu104Gln (NM_000366.6, NM_001018004.2, NM_001018006.2 and 6 more transcripts); c.202G>C, p.Glu68Gln (NM_001018008.2, NM_001301289.2, NM_001330344.2 and 5 more transcripts); c.436G>C, p.Glu146Gln (NM_001365778.1); short protein forms E68Q, E104Q, E146Q.
Identifiers: ClinVar variation 813935 (VCV000813935.8), dbSNP rs1596361132, ClinGen allele CA392720960.

ClinVar aggregate classification (germline): Uncertain significance. Review status: criteria provided, multiple submitters, no conflicts (2 of 4 stars). 2 submissions from 2 submitters: Uncertain significance (2). Last evaluated 2020-12-11.

Conditions:
Hypertrophic cardiomyopathy 3. Also called: TPM1-Related Familial Hypertrophic Cardiomyopathy. Identifiers: MedGen C1861863, MONDO:0007267, OMIM 115196.
Hypertrophic cardiomyopathy. Also called: HYPERTROPHIC MYOCARDIOPATHY. Identifiers: Orphanet 217569, MedGen C0007194, MeSH D002312, MONDO:0005045, HP:0001639.

Submissions (2):

Labcorp Genetics (formerly Invitae), Labcorp
Classification: Uncertain significance for Hypertrophic cardiomyopathy. Last evaluated: 2020-12-11. Review status: criteria provided, single submitter. Criteria: Invitae Variant Classification Sherloc (09022015). Collection method: clinical testing. Allele origin: germline.
Comment: In summary, the available evidence is currently insufficient to determine the role of this variant in disease. Therefore, it has been classified as a Variant of Uncertain Significance. Algorithms developed to predict the effect of missense changes on protein structure and function are either unavailable or do not agree on the potential impact of this missense change (SIFT: "Tolerated"; PolyPhen-2: "Probably Damaging"; Align-GVGD: "Class C0"). This variant has not been reported in the literature in individuals with TPM1-related conditions. ClinVar contains an entry for this variant (Variation ID: 813935). This variant is not present in population databases (ExAC no frequency). This sequence change replaces glutamic acid with glutamine at codon 104 of the TPM1 protein (p.Glu104Gln). The glutamic acid residue is highly conserved and there is a small physicochemical difference between glutamic acid and glutamine.

Broad Center for Mendelian Genomics, Broad Institute of MIT and Harvard
Classification: Uncertain significance for Hypertrophic cardiomyopathy 3. Last evaluated: 2018-12-03. Review status: criteria provided, single submitter. Criteria: ACMG Guidelines, 2015. Collection method: research. Allele origin: germline. Inheritance: Autosomal dominant inheritance. Affected: yes.
Comment: This variant was absent from large population studies. Computational prediction tools and conservation analyses suggest that the variant may impact the protein, though this information is not predictive enough to determine pathogenicity. In summary, the clinical significance of the p.Glu104Gln variant is uncertain. ACMG/AMP Criteria applied: PM2, PP2, PP3 (Richards 2015).